The following is an entry in ClinVar:

ClinVar aggregate classification (germline): Uncertain significance (1 of 4 stars; one submission).

Conditions:
Zaki syndrome. Also called: MICROCEPHALY, PROGRESSIVE, WITH DEVELOPMENTAL DELAY, CUPPED EARS, AND DYSMORPHIC FEATURES. Identifiers: MedGen C5562037, MONDO:0859209, OMIM 619648.

Submission:

Neuberg Centre For Genomic Medicine, NCGM
Classification: Uncertain significance for Zaki syndrome. Last evaluated: 2024-02-01. Review status: criteria provided, single submitter. Criteria: ACMG Guidelines, 2015. Collection method: clinical testing. Allele origin: germline. Inheritance: Autosomal recessive inheritance.
Comment: The above variant has not been reported previously as a pathogenic variant nor as a benign variant, to our knowledge. For these reasons, this variant has been classified as Variant of Uncertain Significance (VUS).

NM_024911.7(WLS):c.1030G>A (p.Val344Ile)

Genes: GNG12-AS1 (GNG12, DIRAS3 and WLS antisense RNA 1; plus strand), WLS (Wnt ligand secretion mediator; minus strand), LOC126805752 (BRD4-independent group 4 enhancer GRCh37_chr1:68613408-68614607; plus strand). Cytogenetic location: 1p31.3.
Variant type: single nucleotide variant.
Coding change: c.1030G>A on transcript NM_024911.7 (MANE Select); coding-DNA position 1030, G replaced by A.
Protein change: p.Val344Ile; replaces valine 344 with isoleucine.
Molecular consequence: missense variant.
Genome position (GRCh38, 1-based): chr1:68,148,603, C>T on the plus strand (G>A on the coding strand, the complement: WLS is on the minus strand). VCF-style: chr1-68148603-C-T. GRCh37 (hg19) VCF-style: chr1-68614286-C-T.
Other names: c.1024G>A, p.Val342Ile (NM_001002292.4); c.757G>A, p.Val253Ile (NM_001193334.1); short protein forms V253I, V342I, V344I.
Identifiers: ClinVar variation 3897985 (VCV003897985.1).